The following is an entry in ClinVar:

NM_000023.4(SGCA):c.187C>T (p.His63Tyr)

Gene: SGCA (sarcoglycan alpha; plus strand). Cytogenetic location: 17q21.33.
Variant type: single nucleotide variant.
Coding change: c.187C>T on transcript NM_000023.4 (MANE Select); coding-DNA position 187, C replaced by T.
Protein change: p.His63Tyr; replaces histidine 63 with tyrosine.
Molecular consequence: missense variant. On other transcripts: non-coding transcript variant (1).
Genome position (GRCh38, 1-based): chr17:50,167,611, C>T. VCF-style: chr17-50167611-C-T. GRCh37 (hg19) VCF-style: chr17-48244972-C-T.
Other names: c.187C>T, p.His63Tyr (NM_001135697.3); short protein forms H63Y.
Identifiers: ClinVar variation 1052979 (VCV001052979.10), dbSNP rs1905021704, ClinGen allele CA400177243.

ClinVar aggregate classification (germline): Uncertain significance. Review status: criteria provided, single submitter (1 of 4 stars). 2 submissions from 2 submitters: Uncertain significance (1). 1 of the submissions does not count toward it. Last evaluated 2022-08-15.

Conditions:
Autosomal recessive limb-girdle muscular dystrophy type 2D (LGMDR3). Also called: DUCHENNE-LIKE AUTOSOMAL RECESSIVE MUSCULAR DYSTROPHY, TYPE 2; ADHALINOPATHY, PRIMARY; MUSCULAR DYSTROPHY, LIMB-GIRDLE, AUTOSOMAL RECESSIVE 3. Identifiers: Orphanet 62, MedGen C2936332, MONDO:0011968, OMIM 608099. Disease mechanism: Affects gamma-sarcoglycan and also disrupts the integrity of the entire sarcoglycan complex..

Submissions (2):

Labcorp Genetics (formerly Invitae), Labcorp
Classification: Uncertain significance for Autosomal recessive limb-girdle muscular dystrophy type 2D. Last evaluated: 2022-08-15. Review status: criteria provided, single submitter. Criteria: Invitae Variant Classification Sherloc (09022015). Collection method: clinical testing. Allele origin: germline.
Comment: In summary, the available evidence is currently insufficient to determine the role of this variant in disease. Therefore, it has been classified as a Variant of Uncertain Significance. Advanced modeling of protein sequence and biophysical properties (such as structural, functional, and spatial information, amino acid conservation, physicochemical variation, residue mobility, and thermodynamic stability) performed at Invitae indicates that this missense variant is expected to disrupt SGCA protein function. ClinVar contains an entry for this variant (Variation ID: 1052979). This variant has not been reported in the literature in individuals affected with SGCA-related conditions. This variant is not present in population databases (gnomAD no frequency). This sequence change replaces histidine, which is basic and polar, with tyrosine, which is neutral and polar, at codon 63 of the SGCA protein (p.His63Tyr).

Natera, Inc.
Classification: Uncertain significance for Limb-girdle muscular dystrophy type 2D. Last evaluated: 2020-12-30. Review status: no assertion criteria provided. Collection method: clinical testing. Allele origin: germline. Not counted in ClinVar's aggregate classification.